The following is an entry in ClinVar:

ClinVar aggregate classification (germline): Likely benign. Review status: criteria provided, multiple submitters, no conflicts (2 of 4 stars). 4 submissions from 4 submitters: Likely benign (4). Last evaluated 2025-12-28.

Allele frequency attached by ClinVar (database versions not stated): gnomAD exomes 0.00006 and 0.00012; ExAC 0.00018; ESP Exome Variant Server 0.00041; gnomAD 0.00048 and 0.00050; TOPMed 0.00058; 1000 Genomes Project 0.00060; 1000 Genomes Project 30x 0.00078.
gnomAD v4.1: 164 of 1,613,828 alleles (0.01%); highest among the groups gnomAD compares: African/African-American, 0.17%; no homozygotes.

Submissions (4):

Labcorp Genetics (formerly Invitae), Labcorp
Classification: Likely benign. Last evaluated: 2025-12-28. Review status: criteria provided, single submitter. Criteria: Invitae Variant Classification Sherloc (09022015). Collection method: clinical testing. Allele origin: germline.

CeGaT Center for Human Genetics Tuebingen
Classification: Likely benign. Last evaluated: 2025-08-01. Review status: criteria provided, single submitter. Criteria: CeGaT Center For Human Genetics Tuebingen Variant Classification Criteria Version 2. Collection method: clinical testing. Allele origin: germline. Affected: yes. Observed: 1 variant allele.
Comment: MICU1: BP4, BP7

GeneDx
Classification: Likely benign. Last evaluated: 2017-08-04. Review status: criteria provided, single submitter. Criteria: GeneDx Variant Classification (06012015). Collection method: clinical testing. Allele origin: germline. Affected: yes.
Comment: This variant is considered likely benign or benign based on one or more of the following criteria: it is a conservative change, it occurs at a poorly conserved position in the protein, it is predicted to be benign by multiple in silico algorithms, and/or has population frequency not consistent with disease.

Breakthrough Genomics
Classification: Likely benign. Review status: criteria provided, single submitter. Criteria: ACMG Guidelines, 2015. Collection method: not provided. Allele origin: germline. Inheritance: Autosomal recessive inheritance. Affected: yes.

NM_001195518.2(MICU1):c.1029C>T (p.Thr343=)

Gene: MICU1 (mitochondrial calcium uptake 1; minus strand). Cytogenetic location: 10q22.1.
Variant type: single nucleotide variant.
Coding change: c.1029C>T on transcript NM_001195518.2 (MANE Select); coding-DNA position 1029, C replaced by T.
Protein change: p.Thr343=; no amino-acid change (threonine 343 retained).
Molecular consequence: synonymous variant.
Genome position (GRCh38, 1-based): chr10:72,423,276, G>A on the plus strand (C>T on the coding strand, the complement: MICU1 is on the minus strand). VCF-style: chr10-72423276-G-A. GRCh37 (hg19) VCF-style: chr10-74183034-G-A.
Other names: c.435C>T, p.Thr145= (NM_001195519.2); c.1047C>T, p.Thr349= (NM_001363513.2); c.1035C>T, p.Thr345= (NM_006077.4).
Identifiers: ClinVar variation 511013 (VCV000511013.18), dbSNP rs186054834, ClinGen allele CA5550096.